The following is an entry in ClinVar:

NM_138425.4(C12orf57):c.200A>G (p.Lys67Arg)

Gene: C12orf57 (chromosome 12 open reading frame 57; plus strand). Cytogenetic location: 12p13.31.
Variant type: single nucleotide variant.
Coding change: c.200A>G on transcript NM_138425.4 (MANE Select); coding-DNA position 200, A replaced by G.
Protein change: p.Lys67Arg; replaces lysine 67 with arginine.
Molecular consequence: missense variant. On other transcripts: intron variant (1).
Genome position (GRCh38, 1-based): chr12:6,944,623, A>G. VCF-style: chr12-6944623-A-G. GRCh37 (hg19) VCF-style: chr12-7053786-A-G.
Other names: c.200A>G, p.Lys67Arg (NM_001301834.1); c.161A>G, p.Lys54Arg (NM_001301836.2); c.95A>G, p.Lys32Arg (NM_001301838.2); c.142+58A>G (NM_001301837.2); short protein forms K32R, K54R, K67R.
Identifiers: ClinVar variation 937669 (VCV000937669.5), dbSNP rs781905625, ClinGen allele CA6421285.

ClinVar aggregate classification (germline): Uncertain significance (1 of 4 stars; one submission).

Conditions:
Temtamy syndrome (TEMTYS). Also called: MENTAL RETARDATION WITH OR WITHOUT CRANIOFACIAL DYSMORPHISM, OCULAR COLOBOMA, OR ABNORMAL CORPUS CALLOSUM. Identifiers: Orphanet 1777, MedGen C1857512, MONDO:0009033, OMIM 218340.

Allele frequency attached by ClinVar (database versions not stated): gnomAD 0.00001 and 0.00002; ExAC 0.00002; TOPMed 0.00002.
gnomAD v4.1: 64 of 1,613,902 alleles (0.004%); highest among the groups gnomAD compares: Non-Finnish European, 0.0053%; no homozygotes.

Submission:

Labcorp Genetics (formerly Invitae), Labcorp
Classification: Uncertain significance for Temtamy syndrome. Last evaluated: 2021-09-23. Review status: criteria provided, single submitter. Criteria: Invitae Variant Classification Sherloc (09022015). Collection method: clinical testing. Allele origin: germline.
Comment: This sequence change replaces lysine with arginine at codon 67 of the C12orf57 protein (p.Lys67Arg). The lysine residue is highly conserved and there is a small physicochemical difference between lysine and arginine. This variant is present in population databases (rs781905625, ExAC 0.01%). This variant has not been reported in the literature in individuals affected with C12orf57-related conditions. Algorithms developed to predict the effect of missense changes on protein structure and function output the following: SIFT: "Tolerated"; PolyPhen-2: "Benign"; Align-GVGD: "Class C0". The arginine amino acid residue is found in multiple mammalian species, which suggests that this missense change does not adversely affect protein function. In summary, the available evidence is currently insufficient to determine the role of this variant in disease. Therefore, it has been classified as a Variant of Uncertain Significance.